The following is an entry in ClinVar:

NM_000202.8(IDS):c.1620dup (p.Gly541fs)

Gene: IDS (iduronate 2-sulfatase; minus strand). Cytogenetic location: Xq28.
Variant type: Duplication.
Coding change: c.1620dup on transcript NM_000202.8 (MANE Select); coding-DNA position 1620, one base duplicated (A; older notation c.1620dupA).
Protein change: p.Gly541fs; shifts the reading frame from glycine 541.
Molecular consequence: frameshift variant.
Genome position (GRCh38, 1-based): chrX:149,482,779, T duplicated on the plus strand (A on the coding strand, the reverse complement: IDS is on the minus strand); the first of 2 consecutive T bases (chrX:149,482,779-149,482,780); duplicating either gives the same sequence. VCF-style (leftmost placement, unchanged base first): chrX-149482778-C-CT. GRCh37 (hg19) VCF-style: chrX-148564309-C-CT.
Other names: c.1350dup, p.Gly451fs (NM_001166550.4); short protein forms G451fs, G541fs.
Identifiers: ClinVar variation 4855847 (VCV004855847.1).

ClinVar aggregate classification (germline): Likely pathogenic (1 of 4 stars; one submission).

Conditions:
Mucopolysaccharidosis, MPS-II (MPS2). Also called: Attenuated MPS (subtype; formerly known as mild MPS II); Severe MPS II; I2S deficiency; MPS 2; Hunter Syndrome; IDURONATE 2-SULFATASE DEFICIENCY. Identifiers: Orphanet 580, Orphanet 79388, MedGen C0026705, MONDO:0010674, OMIM 309900.

Submission:

3billion
Classification: Likely pathogenic for Mucopolysaccharidosis, MPS-II. Last evaluated: 2025-05-07. Review status: criteria provided, single submitter. Criteria: ACMG Guidelines, 2015. Collection method: clinical testing. Allele origin: germline. Affected: yes.
Comment: The variant is not observed in the gnomAD v4.1.0 dataset. Predicted Consequence/Location: Frameshift: predicted to result in a loss or disruption of normal protein function through protein truncation. Multiple pathogenic variants are reported in the predicted truncated region. Therefore, this variant is classified as Likely pathogenic according to the recommendation of ACMG/AMP guideline.